The following is an entry in ClinVar:

NM_001364905.1(LRBA):c.8256C>G (p.Phe2752Leu)

Gene: LRBA (LPS responsive beige-like anchor protein; minus strand). Cytogenetic location: 4q31.3.
Variant type: single nucleotide variant.
Coding change: c.8256C>G on transcript NM_001364905.1 (MANE Select); coding-DNA position 8256, C replaced by G.
Protein change: p.Phe2752Leu; replaces phenylalanine 2752 with leucine.
Molecular consequence: missense variant.
Genome position (GRCh38, 1-based): chr4:150,282,510, G>C on the plus strand (C>G on the coding strand, the complement: LRBA is on the minus strand). VCF-style: chr4-150282510-G-C. GRCh37 (hg19) VCF-style: chr4-151203662-G-C.
Other names: c.8253C>G, p.Phe2751Leu (NM_001199282.3); c.8271C>G, p.Phe2757Leu (NM_001367550.1, NM_001440431.1); c.8304C>G, p.Phe2768Leu (NM_001440430.1); c.1974C>G, p.Phe658Leu (NM_001440432.1); c.1968C>G, p.Phe656Leu (NM_001440433.1); c.8289C>G, p.Phe2763Leu (NM_006726.5); short protein forms F2751L, F2752L, F2757L, F2763L, F2768L, F656L, F658L.
Identifiers: ClinVar variation 4805540 (VCV004805540.1).

ClinVar aggregate classification (germline): Uncertain significance (1 of 4 stars; one submission).

Conditions:
Combined immunodeficiency due to LRBA deficiency. Also called: Common variable immunodeficiency 8, with autoimmunity. Identifiers: Orphanet 445018, MedGen C3553512, MONDO:0013863, OMIM 614700.

gnomAD v4.1: 1 of 1,614,152 alleles (0.000062%); highest among the groups gnomAD compares: Non-Finnish European, 0.000085%; no homozygotes.

Submission:

Labcorp Genetics (formerly Invitae), Labcorp
Classification: Uncertain significance for Combined immunodeficiency due to LRBA deficiency. Last evaluated: 2025-08-28. Review status: criteria provided, single submitter. Criteria: Invitae Variant Classification Sherloc (09022015). Collection method: clinical testing. Allele origin: germline.
Comment: This sequence change replaces phenylalanine, which is neutral and non-polar, with leucine, which is neutral and non-polar, at codon 2763 of the LRBA protein (p.Phe2763Leu). This variant is not present in population databases (gnomAD no frequency). This variant has not been reported in the literature in individuals affected with LRBA-related conditions. Invitae Evidence Modeling of protein sequence and biophysical properties (such as structural, functional, and spatial information, amino acid conservation, physicochemical variation, residue mobility, and thermodynamic stability) indicates that this missense variant is not expected to disrupt LRBA protein function with a negative predictive value of 80%. In summary, the available evidence is currently insufficient to determine the role of this variant in disease. Therefore, it has been classified as a Variant of Uncertain Significance.